The following is an entry in ClinVar:

NM_006204.4(PDE6C):c.559G>A (p.Gly187Ser)

Gene: PDE6C (phosphodiesterase 6C; plus strand). Cytogenetic location: 10q23.33.
Variant type: single nucleotide variant.
Coding change: c.559G>A on transcript NM_006204.4 (MANE Select); coding-DNA position 559, G replaced by A.
Protein change: p.Gly187Ser; replaces glycine 187 with serine.
Molecular consequence: missense variant.
Genome position (GRCh38, 1-based): chr10:93,620,710, G>A. VCF-style: chr10-93620710-G-A. GRCh37 (hg19) VCF-style: chr10-95380467-G-A.
Other names: short protein forms G187S.
Identifiers: ClinVar variation 3008155 (VCV003008155.3), dbSNP rs369094542, ClinGen allele CA5609881.
Genomic context (GRCh38, chr10:93,620,710, plus strand): 5'-TTCATGGACAAGCAAACTGGGTATGTCACTAAGAACCTGCTGGCAACCCCGATCGTGGTG[G>A]GCAAGGAGGTTCTTGCTGTGATCATGGCAGTTAACAAAGTAAATGCATCTGAATTTTCCA-3'
Protein context (NP_006195.3, residues 177-197): KNLLATPIVV[Gly187Ser]KEVLAVIMAV

ClinVar aggregate classification (germline): Uncertain significance (1 of 4 stars; one submission).

Allele frequency attached by ClinVar (database versions not stated): gnomAD exomes below 0.00001; ExAC 0.00001; gnomAD 0.00001; TOPMed 0.00002; ESP Exome Variant Server 0.00008.
gnomAD v4.1: 7 of 1,613,942 alleles (0.00043%); highest among the groups gnomAD compares: South Asian, 0.0033%; no homozygotes.

Submission:

Labcorp Genetics (formerly Invitae), Labcorp
Classification: Uncertain significance. Last evaluated: 2023-09-09. Review status: criteria provided, single submitter. Criteria: Invitae Variant Classification Sherloc (09022015). Collection method: clinical testing. Allele origin: germline.
Comment: This variant has not been reported in the literature in individuals affected with PDE6C-related conditions. This variant is present in population databases (rs369094542, gnomAD 0.01%). This sequence change replaces glycine, which is neutral and non-polar, with serine, which is neutral and polar, at codon 187 of the PDE6C protein (p.Gly187Ser). Advanced modeling of protein sequence and biophysical properties (such as structural, functional, and spatial information, amino acid conservation, physicochemical variation, residue mobility, and thermodynamic stability) performed at Invitae indicates that this missense variant is not expected to disrupt PDE6C protein function. In summary, the available evidence is currently insufficient to determine the role of this variant in disease. Therefore, it has been classified as a Variant of Uncertain Significance.